The following is an entry in ClinVar:

NM_000535.7(PMS2):c.2535T>C (p.His845=)

Gene: PMS2 (PMS1 homolog 2, mismatch repair system component; minus strand). Cytogenetic location: 7p22.1.
Variant type: single nucleotide variant.
Coding change: c.2535T>C on transcript NM_000535.7 (MANE Select); coding-DNA position 2535, T replaced by C.
Protein change: p.His845=; no amino-acid change (histidine 845 retained).
Molecular consequence: synonymous variant. On other transcripts: non-coding transcript variant (1).
Genome position (GRCh38, 1-based): chr7:5,973,453, A>G on the plus strand (T>C on the coding strand, the complement: PMS2 is on the minus strand). VCF-style: chr7-5973453-A-G. GRCh37 (hg19) VCF-style: chr7-6013084-A-G.
Other names: c.2130T>C, p.His710= (NM_001322003.2, NM_001322004.2, NM_001322005.2); c.2379T>C, p.His793= (NM_001322006.2); c.2217T>C, p.His739= (NM_001322007.2, NM_001322008.2); c.2163T>C, p.His721= (NM_001322009.2); c.1974T>C, p.His658= (NM_001322010.2); c.1602T>C, p.His534= (NM_001322011.2, NM_001322012.2); c.1962T>C, p.His654= (NM_001322013.2); c.2568T>C, p.His856= (NM_001322014.2); and 1 more.
Identifiers: ClinVar variation 233527 (VCV000233527.15), dbSNP rs876660464, ClinGen allele CA10578636.

ClinVar aggregate classification (germline): Benign/Likely benign. Review status: criteria provided, multiple submitters, no conflicts (2 of 4 stars). 3 submissions from 3 submitters: Benign (1); Likely benign (2). Last evaluated 2025-11-04.

Conditions:
Hereditary cancer-predisposing syndrome. Also called: Neoplastic Syndromes, Hereditary; Tumor predisposition; Hereditary Cancer Syndrome; Hereditary neoplastic syndrome. Identifiers: Orphanet 140162, MedGen C0027672, MeSH D009386, MONDO:0015356.
Lynch syndrome 4 (LYNCH4). Also called: Colorectal cancer, hereditary nonpolyposis, type 4; Hereditary non-polyposis colorectal cancer, type 4. Identifiers: Orphanet 144, MedGen C1838333, MONDO:0013699, OMIM 614337. Disease mechanism: loss of function.
Hereditary nonpolyposis colorectal neoplasms. Identifiers: MedGen C0009405, MeSH D003123.

Allele frequency attached by ClinVar (database versions not stated): gnomAD exomes below 0.00001; TOPMed 0.00001; gnomAD 0.00003.

Submissions (3):

Labcorp Genetics (formerly Invitae), Labcorp
Classification: Likely benign for Hereditary nonpolyposis colorectal neoplasms. Last evaluated: 2025-11-04. Review status: criteria provided, single submitter. Criteria: Invitae Variant Classification Sherloc (09022015). Collection method: clinical testing. Allele origin: germline.

Myriad Genetics, Inc.
Classification: Benign for Lynch syndrome 4. Last evaluated: 2025-02-04. Review status: criteria provided, single submitter. Criteria: Myriad Autosomal Dominant, Autosomal Recessive and X-Linked Classification Criteria (2023). Collection method: clinical testing. Allele origin: unknown.
Comment: This variant is considered benign. This variant is a silent/synonymous amino acid change and it is not expected to impact splicing.

Ambry Genetics
Classification: Likely benign for Hereditary cancer-predisposing syndrome. Last evaluated: 2015-08-27. Review status: criteria provided, single submitter. Criteria: Ambry Variant Classification Scheme 2023. Collection method: clinical testing. Allele origin: germline.